The following is an entry in ClinVar:

NM_001042492.3(NF1):c.2330G>C (p.Trp777Ser)

Gene: NF1 (neurofibromin 1; plus strand). Cytogenetic location: 17q11.2.
Variant type: single nucleotide variant.
Coding change: c.2330G>C on transcript NM_001042492.3 (MANE Select); coding-DNA position 2330, G replaced by C.
Protein change: p.Trp777Ser; replaces tryptophan 777 with serine.
Molecular consequence: missense variant.
Genome position (GRCh38, 1-based): chr17:31,227,527, G>C. VCF-style: chr17-31227527-G-C. GRCh37 (hg19) VCF-style: chr17-29554545-G-C.
Other names: c.2330G>C, p.Trp777Ser (NM_000267.4); short protein forms W777S.
Identifiers: ClinVar variation 68315 (VCV000068315.12), dbSNP rs199474745, ClinGen allele CA219445.
Genomic context (GRCh38, chr17:31,227,527, plus strand): 5'-ATTGATGTTTAGCTCTAGACTAAGTTGCTTTCAAGTGATAATTGCCTTCATTTTAGGCTT[G>C]GGAAGATACACATGCAAAATGGGAACAAGCAACAAAGCTAATCCTTAACTATCCAAAAGC-3'
Protein context (NP_001035957.1, residues 767-787): EHPTAGNTEA[Trp777Ser]EDTHAKWEQA

ClinVar aggregate classification (germline): Pathogenic/Likely pathogenic. Review status: criteria provided, multiple submitters, no conflicts (2 of 4 stars). 6 submissions from 6 submitters: Pathogenic (2); Likely pathogenic (3). 1 of the submissions does not count toward it. Last evaluated 2025-11-16.

Conditions:
Tibial pseudarthrosis. Identifiers: MedGen C4024216, HP:0009736.
Neurofibromatosis, type 1 (NF1). Also called: Peripheral type neurofibromatosis; VON RECKLINGHAUSEN DISEASE; NEUROFIBROMATOSIS, TYPE I, SOMATIC; Neurofibromatosis, type I. Identifiers: Orphanet 636, MedGen C0027831, MONDO:0018975, OMIM 162200. Disease mechanism: loss of function.
Hereditary cancer-predisposing syndrome. Also called: Tumor predisposition; Hereditary Cancer Syndrome; Neoplastic Syndromes, Hereditary; Hereditary neoplastic syndrome. Identifiers: Orphanet 140162, MedGen C0027672, MeSH D009386, MONDO:0015356.
Cardiovascular phenotype. Identifiers: MedGen CN230736.

Submissions (6):

Labcorp Genetics (formerly Invitae), Labcorp
Classification: Pathogenic for Neurofibromatosis, type 1. Last evaluated: 2025-11-16. Review status: criteria provided, single submitter. Criteria: Invitae Variant Classification Sherloc (09022015). Collection method: clinical testing. Allele origin: germline.
Comment: This sequence change replaces tryptophan, which is neutral and slightly polar, with serine, which is neutral and polar, at codon 777 of the NF1 protein (p.Trp777Ser). This variant is not present in population databases (gnomAD no frequency). This missense change has been observed in individuals with neurofibromatosis type 1 (PMID: 10712197, 15146469, 17726231). Invitae Evidence Modeling of clinical and family history, age, sex, and reported ancestry of multiple individuals with this NF1 variant has been performed. This variant is expected to be pathogenic with a positive predictive value of at least 99%. This is a validated machine learning model that incorporates the clinical features of 1,785,918 individuals referred to our laboratory for NF1 testing. ClinVar contains an entry for this variant (Variation ID: 68315). Invitae Evidence Modeling of protein sequence and biophysical properties (such as structural, functional, and spatial information, amino acid conservation, physicochemical variation, residue mobility, and thermodynamic stability) indicates that this missense variant is expected to disrupt NF1 protein function with a positive predictive value of 95%. This variant disrupts the p.Trp777 amino acid residue in NF1. Other variant(s) that disrupt this residue have been determined to be pathogenic (PMID: 16005615, 27322474). This suggests that this residue is clinically significant, and that variants that disrupt this residue are likely to be disease-causing. For these reasons, this variant has been classified as Pathogenic.

GeneDx
Classification: Likely pathogenic. Last evaluated: 2024-08-14. Review status: criteria provided, single submitter. Criteria: GeneDx Variant Classification Process June 2021. Collection method: clinical testing. Allele origin: germline. Affected: yes.
Comment: Not observed at significant frequency in large population cohorts (gnomAD); In silico analysis supports that this missense variant has a deleterious effect on protein structure/function; This variant is associated with the following publications: (PMID: 24803665, 27322474, 33877690, 15146469, 10712197, 31533797, 17726231, 25486365)

Genome-Nilou Lab
Classification: Likely pathogenic for Neurofibromatosis, type 1. Last evaluated: 2022-03-15. Review status: criteria provided, single submitter. Criteria: ACMG Guidelines, 2015. Collection method: clinical testing. Allele origin: germline. Affected: no.

Ambry Genetics
Classification: Pathogenic for Cardiovascular phenotype; Hereditary cancer-predisposing syndrome. Last evaluated: 2021-09-27. Review status: criteria provided, single submitter. Criteria: Ambry Variant Classification Scheme 2023. Collection method: clinical testing. Allele origin: germline.
Comment: The p.W777S pathogenic mutation (also known as c.2330G>C), located in coding exon 20 of the NF1 gene, results from a G to C substitution at nucleotide position 2330. The tryptophan at codon 777 is replaced by serine, an amino acid with highly dissimilar properties. This alteration was also identified in individuals with clinical diagnoses of neurofibromatosis type I (NF1) (Fahsold R et al. Am J Hum Genet, 2000 Mar;66:790-818; Zhu G et al. Orphanet J Rare Dis, 2019 09;14:221). Two other alterations at the same codon, c.2329T>A and c.2329T>C, both of which result in p.W777R, have been detected in several individuals with clinical diagnoses of NF1 (Cai Y et al. J. Dermatol. Sci. 2005 Aug; 39(2):125-7; Sabbagh A et al. Hum. Mutat. 2013 Nov; 34(11):1510-8; Evans DG et al. EBioMedicine, 2016 May;7:212-20, Ambry internal data). The c.2330G>C variant is considered to be rare based on population cohorts in the Genome Aggregation Database (gnomAD). This amino acid position is highly conserved in available vertebrate species. In addition, this alteration is predicted to be deleterious by in silico analysis. Based on the supporting evidence, this alteration is interpreted as a disease-causing mutation.

The Laboratory of Genetics and Metabolism, Hunan Children’s Hospital
Classification: Likely pathogenic for Neurofibromatosis, type 1; Tibial pseudoarthrosis. Last evaluated: 2018-11-10. Review status: criteria provided, single submitter. Criteria: ACMG Guidelines, 2015. Collection method: research. Allele origin: maternal. Affected: yes. Observed: 1 variant allele.

UniProtKB/Swiss-Prot
No classification provided. Review status: no classification provided. Collection method: not provided. Allele origin: not provided. Not counted in ClinVar's aggregate classification.

Literature cited by the submitters: PubMed 10712197 (cited by Labcorp Genetics (formerly Invitae), Labcorp); PubMed 15146469 (cited by Labcorp Genetics (formerly Invitae), Labcorp); PubMed 17726231 (cited by Labcorp Genetics (formerly Invitae), Labcorp); PubMed 16005615 (cited by Labcorp Genetics (formerly Invitae), Labcorp); PubMed 27322474 (cited by Labcorp Genetics (formerly Invitae), Labcorp); PubMed 31533797 (cited by The Laboratory of Genetics and Metabolism, Hunan Children’s Hospital).